The following is an entry in ClinVar:

ClinVar aggregate classification (germline): Uncertain significance (1 of 4 stars; one submission).

gnomAD v4.1: 3 of 1,614,064 alleles (0.00019%); highest among the groups gnomAD compares: Non-Finnish European, 0.00025%; no homozygotes.

Submission:

Ambry Genetics
Classification: Uncertain significance. Last evaluated: 2024-08-01. Review status: criteria provided, single submitter. Criteria: Ambry Variant Classification Scheme 2023. Collection method: clinical testing. Allele origin: germline.
Comment: The p.I1034V variant (also known as c.3100A>G), located in coding exon 27 of the KIF1B gene, results from an A to G substitution at nucleotide position 3100. The isoleucine at codon 1034 is replaced by valine, an amino acid with highly similar properties. This amino acid position is conserved. In addition, this alteration is predicted to be tolerated by in silico analysis. Based on the available evidence, the clinical significance of this variant remains unclear.

NM_001365951.3(KIF1B):c.3238A>G (p.Ile1080Val)

Gene: KIF1B (kinesin family member 1B; plus strand). Cytogenetic location: 1p36.22.
Variant type: single nucleotide variant.
Coding change: c.3238A>G on transcript NM_001365951.3 (MANE Select); coding-DNA position 3238, A replaced by G.
Protein change: p.Ile1080Val; replaces isoleucine 1080 with valine.
Molecular consequence: missense variant.
Genome position (GRCh38, 1-based): chr1:10,337,182, A>G. VCF-style: chr1-10337182-A-G. GRCh37 (hg19) VCF-style: chr1-10397240-A-G.
Other names: c.3238A>G, p.Ile1080Val (NM_001365952.1); c.3100A>G, p.Ile1034Val (NM_015074.3); short protein forms I1034V, I1080V.
Identifiers: ClinVar variation 3533895 (VCV003533895.1).
Genomic context (GRCh38, chr1:10,337,182, plus strand): 5'-GAGTTGAGGATTGTGGAAGGACAGGGTCAGAGTTCTGAGGTCATCACTCCTCCAGAAGAA[A>G]TCAGTCGAATTAATGACTTGGGTATGTAGACATAGTTTACTGTGCTTGGGGACATTTTCG-3'
Protein context (NP_001352880.1, residues 1070-1090): SSEVITPPEE[Ile1080Val]SRINDLDLKS